The following is an entry in ClinVar:

NM_000722.4(CACNA2D1):c.311C>T (p.Ala104Val)

Gene: CACNA2D1 (calcium voltage-gated channel auxiliary subunit alpha2delta 1; minus strand). Cytogenetic location: 7q21.11.
Variant type: single nucleotide variant.
Coding change: c.311C>T on transcript NM_000722.4 (MANE Select); coding-DNA position 311, C replaced by T.
Protein change: p.Ala104Val; replaces alanine 104 with valine.
Molecular consequence: missense variant.
Genome position (GRCh38, 1-based): chr7:82,170,593, G>A on the plus strand (C>T on the coding strand, the complement: CACNA2D1 is on the minus strand). VCF-style: chr7-82170593-G-A. GRCh37 (hg19) VCF-style: chr7-81799909-G-A.
Other names: c.311C>T, p.Ala104Val (NM_001302890.2, NM_001366867.1); short protein forms A104V.
Identifiers: ClinVar variation 2071021 (VCV002071021.5), dbSNP rs1338611631, ClinGen allele CA368017476.
Genomic context (GRCh38, chr7:82,170,593, plus strand): 5'-TTAAAAGGGGTTCTTACTGCAAAATCTTCTCTCCACTGGTGAGCTGCTTGAACTTTCTCC[G>A]CTTCCAATGCCAGGCGCTGAAAAACAAACAATAAATCTTAGAATTCAAATGAACACGTAA-3'
Protein context (NP_000713.2, residues 94-114): SKALVRLALE[Ala104Val]EKVQAAHQWR

ClinVar aggregate classification (germline): Uncertain significance. Review status: criteria provided, multiple submitters, no conflicts (2 of 4 stars). 2 submissions from 2 submitters: Uncertain significance (2). Last evaluated 2024-09-14.

Conditions:
Brugada syndrome. Also called: Sudden Unexplained Death Syndrome; Sudden Unexplained Nocturnal Death Syndrome (SUNDS); Sudden unexplained nocturnal death syndrome; Sudden unexpected nocturnal death syndrome. Identifiers: Orphanet 130, MedGen C1142166, MONDO:0015263.
Cardiovascular phenotype. Identifiers: MedGen CN230736.

Allele frequency attached by ClinVar (database versions not stated): gnomAD exomes below 0.00001; TOPMed below 0.00001; gnomAD 0.00001.
gnomAD v4.1: 2 of 1,612,244 alleles (0.00012%); highest among the groups gnomAD compares: African/African-American, 0.0013%; no homozygotes.

Submissions (2):

Ambry Genetics
Classification: Uncertain significance for Cardiovascular phenotype. Last evaluated: 2024-09-14. Review status: criteria provided, single submitter. Criteria: Ambry Variant Classification Scheme 2023. Collection method: clinical testing. Allele origin: germline.
Comment: The p.A104V variant (also known as c.311C>T), located in coding exon 4 of the CACNA2D1 gene, results from a C to T substitution at nucleotide position 311. The alanine at codon 104 is replaced by valine, an amino acid with similar properties. This amino acid position is highly conserved in available vertebrate species. In addition, the in silico prediction for this alteration is inconclusive. The evidence for this gene-disease relationship is limited; therefore, the clinical significance of this alteration is unclear.

Labcorp Genetics (formerly Invitae), Labcorp
Classification: Uncertain significance for Brugada syndrome. Last evaluated: 2022-01-06. Review status: criteria provided, single submitter. Criteria: Invitae Variant Classification Sherloc (09022015). Collection method: clinical testing. Allele origin: germline.
Comment: In summary, the available evidence is currently insufficient to determine the role of this variant in disease. Therefore, it has been classified as a Variant of Uncertain Significance. Algorithms developed to predict the effect of missense changes on protein structure and function are either unavailable or do not agree on the potential impact of this missense change (SIFT: "Deleterious"; PolyPhen-2: "Not Available"; Align-GVGD: "Class C0"). This variant has not been reported in the literature in individuals affected with CACNA2D1-related conditions. This variant is not present in population databases (gnomAD no frequency). This sequence change replaces alanine, which is neutral and non-polar, with valine, which is neutral and non-polar, at codon 104 of the CACNA2D1 protein (p.Ala104Val).